The following is an entry in ClinVar:

NM_002250.3(KCNN4):c.540C>G (p.Arg180=)

Gene: KCNN4 (potassium calcium-activated channel subfamily N member 4; minus strand). Cytogenetic location: 19q13.31.
Variant type: single nucleotide variant.
Coding change: c.540C>G on transcript NM_002250.3 (MANE Select); coding-DNA position 540, C replaced by G.
Protein change: p.Arg180=; no amino-acid change (arginine 180 retained).
Molecular consequence: synonymous variant.
Genome position (GRCh38, 1-based): chr19:43,774,335, G>C on the plus strand (C>G on the coding strand, the complement: KCNN4 is on the minus strand). VCF-style: chr19-43774335-G-C. GRCh37 (hg19) VCF-style: chr19-44278487-G-C.
Other names: c.540C>G (NM_002250.2).
Identifiers: ClinVar variation 2721600 (VCV002721600.4), dbSNP rs200483738, ClinGen allele CA9491972.

ClinVar aggregate classification (germline): Benign/Likely benign. Review status: criteria provided, multiple submitters, no conflicts (2 of 4 stars). 2 submissions from 2 submitters: Benign (1); Likely benign (1). Last evaluated 2026-06-27.

Conditions:
KCNN4-related disorder. Also called: KCNN4-related condition.

Allele frequency attached by ClinVar (database versions not stated): gnomAD exomes 0.00003; ExAC 0.00009; 1000 Genomes Project 30x 0.00016; 1000 Genomes Project 0.00020; ESP Exome Variant Server 0.00023; gnomAD 0.00036; TOPMed 0.00049.
gnomAD v4.1: 101 of 1,610,826 alleles (0.0063%); highest among the groups gnomAD compares: African/African-American, 0.11%; no homozygotes.

Submissions (2):

PreventionGenetics, part of Exact Sciences
Classification: Likely benign for KCNN4-related condition. Last evaluated: 2026-06-27. Review status: criteria provided, single submitter. Criteria: ACMG Guidelines, 2015. Collection method: clinical testing. Allele origin: germline.
Comment: This variant is classified as likely benign based on ACMG/AMP sequence variant interpretation guidelines (Richards et al. 2015 PMID: 25741868, with internal and published modifications).

Labcorp Genetics (formerly Invitae), Labcorp
Classification: Benign. Last evaluated: 2026-01-18. Review status: criteria provided, single submitter. Criteria: Invitae Variant Classification Sherloc (09022015). Collection method: clinical testing. Allele origin: germline.